The following is an entry in ClinVar:

NC_012920.1(MT-ATP6):m.8886G>A

Gene: MT-ATP6 (mitochondrially encoded ATP synthase 6; plus strand).
Variant type: single nucleotide variant.
Genome position: chrM-8886-G-A.
Identifiers: ClinVar variation 376933 (VCV000376933.3), dbSNP rs386829057, ClinGen allele CA16603213.

ClinVar aggregate classification (germline): Likely benign (1 of 4 stars; one submission).

Submission:

Center for Pediatric Genomic Medicine, Children's Mercy Hospital and Clinics
Classification: Likely benign. Last evaluated: 2017-01-24. Review status: criteria provided, single submitter. Criteria: ACMG Guidelines, 2015. Collection method: clinical testing. Allele origin: germline.
ClinVar note: Converted during submission from Likely Benign to Likely benign.